The following is an entry in ClinVar:

ClinVar aggregate classification (germline): Likely benign. Review status: criteria provided, single submitter (1 of 4 stars). 2 submissions from 2 submitters: Likely benign (1). 1 of the submissions does not count toward it. Last evaluated 2025-04-08.

Conditions:
ARFGEF2-related disorder. Also called: ARFGEF2-related condition.

Allele frequency attached by ClinVar (database versions not stated): TOPMed 0.00003; ExAC 0.00012; ESP Exome Variant Server 0.00015; gnomAD 0.00004; gnomAD exomes 0.00005.

Submissions (2):

Labcorp Genetics (formerly Invitae), Labcorp
Classification: Likely benign. Last evaluated: 2025-04-08. Review status: criteria provided, single submitter. Criteria: Invitae Variant Classification Sherloc (09022015). Collection method: clinical testing. Allele origin: germline.

PreventionGenetics, part of Exact Sciences
Classification: Likely benign for ARFGEF2-related condition. Last evaluated: 2024-01-23. Review status: no assertion criteria provided. Collection method: clinical testing. Allele origin: germline. Not counted in ClinVar's aggregate classification.
Comment: This variant is classified as likely benign based on ACMG/AMP sequence variant interpretation guidelines (Richards et al. 2015 PMID: 25741868, with internal and published modifications).

NM_006420.3(ARFGEF2):c.1228C>T (p.Leu410=)

Gene: ARFGEF2 (ARF guanine nucleotide exchange factor 2; plus strand). Cytogenetic location: 20q13.13.
Variant type: single nucleotide variant.
Coding change: c.1228C>T on transcript NM_006420.3 (MANE Select); coding-DNA position 1228, C replaced by T.
Protein change: p.Leu410=; no amino-acid change (leucine 410 retained).
Molecular consequence: synonymous variant.
Genome position (GRCh38, 1-based): chr20:48,971,157, C>T. VCF-style: chr20-48971157-C-T. GRCh37 (hg19) VCF-style: chr20-47587694-C-T.
Other names: c.1225C>T, p.Leu409= (NM_001410846.1).
Identifiers: ClinVar variation 3048300 (VCV003048300.4), dbSNP rs145564478, ClinGen allele CA9898358.